The following is an entry in ClinVar:

NM_000465.4(BARD1):c.1613G>A (p.Ser538Asn)

Gene: BARD1 (BRCA1 associated RING domain 1; minus strand). Cytogenetic location: 2q35.
Variant type: single nucleotide variant.
Coding change: c.1613G>A on transcript NM_000465.4 (MANE Select); coding-DNA position 1613, G replaced by A.
Protein change: p.Ser538Asn; replaces serine 538 with asparagine.
Molecular consequence: missense variant. On other transcripts: non-coding transcript variant (3), intron variant (1).
Genome position (GRCh38, 1-based): chr2:214,752,511, C>T on the plus strand (G>A on the coding strand, the complement: BARD1 is on the minus strand). VCF-style: chr2-214752511-C-T. GRCh37 (hg19) VCF-style: chr2-215617235-C-T.
Other names: c.1556G>A, p.Ser519Asn (NM_001282543.2); c.260G>A, p.Ser87Asn (NM_001282545.2); c.203G>A, p.Ser68Asn (NM_001282548.2); c.365-22003G>A (NM_001282549.2); short protein forms S538N, S87N, S519N, S68N.
Identifiers: ClinVar variation 186171 (VCV000186171.29), dbSNP rs370771157, ClinGen allele CA194054.

ClinVar aggregate classification (germline): Conflicting classifications of pathogenicity. Review status: criteria provided, conflicting classifications (1 of 4 stars). 12 submissions from 12 submitters: Uncertain significance (8); Likely benign (3). 1 of the submissions does not count toward it. Last evaluated 2025-12-24.

Conditions:
BARD1-related cancer predisposition. Identifiers: MedGen CN377756, MONDO:0700267.
Hereditary cancer-predisposing syndrome. Also called: Hereditary neoplastic syndrome; Neoplastic Syndromes, Hereditary; Tumor predisposition; Hereditary Cancer Syndrome. Identifiers: Orphanet 140162, MedGen C0027672, MeSH D009386, MONDO:0015356.
Familial cancer of breast. Also called: BREAST CANCER, FAMILIAL; Hereditary breast cancer; hereditary breast carcinoma. Identifiers: Orphanet 227535, MedGen C0346153, MONDO:0016419, OMIM 114480. Disease mechanism: loss of function.

Allele frequency attached by ClinVar (database versions not stated): ExAC 0.00002; gnomAD 0.00002 and 0.00003; gnomAD exomes 0.00002 and 0.00010; TOPMed 0.00002; ESP Exome Variant Server 0.00008.
gnomAD v4.1: 159 of 1,613,658 alleles (0.0099%); highest among the groups gnomAD compares: Non-Finnish European, 0.013%; no homozygotes.

Submissions (12):

Labcorp Genetics (formerly Invitae), Labcorp
Classification: Uncertain significance for Familial cancer of breast. Last evaluated: 2025-12-24. Review status: criteria provided, single submitter. Criteria: Invitae Variant Classification Sherloc (09022015). Collection method: clinical testing. Allele origin: germline.
Comment: This sequence change replaces serine, which is neutral and polar, with asparagine, which is neutral and polar, at codon 538 of the BARD1 protein (p.Ser538Asn). This variant is present in population databases (rs370771157, gnomAD 0.005%). This missense change has been observed in individual(s) with ovarian cancer (PMID: 26315354). ClinVar contains an entry for this variant (Variation ID: 186171). An algorithm developed to predict the effect of missense changes on protein structure and function outputs the following: PolyPhen-2: "Benign". The asparagine amino acid residue is found in multiple mammalian species, which suggests that this missense change does not adversely affect protein function. In summary, the available evidence is currently insufficient to determine the role of this variant in disease. Therefore, it has been classified as a Variant of Uncertain Significance.

GeneDx
Classification: Uncertain significance. Last evaluated: 2025-04-22. Review status: criteria provided, single submitter. Criteria: GeneDx Variant Classification Process June 2021. Collection method: clinical testing. Allele origin: germline. Affected: yes.
Comment: Not observed at significant frequency in large population cohorts (gnomAD); In silico analysis indicates that this missense variant does not alter protein structure/function; This variant is associated with the following publications: (PMID: 26787654, 18480049, 36243179, 34326862, 26315354, 33471991)

Color Diagnostics, LLC DBA Color Health
Classification: Likely benign for Hereditary cancer-predisposing syndrome. Last evaluated: 2024-09-19. Review status: criteria provided, single submitter. Criteria: ACMG Guidelines, 2015. Collection method: clinical testing. Allele origin: germline.

Molecular Pathology, Peter Maccallum Cancer Centre
Classification: Uncertain significance for BARD1-related cancer predisposition. Last evaluated: 2024-08-01. Review status: criteria provided, single submitter. Criteria: ACMG Guidelines, 2015. Collection method: clinical testing. Allele origin: germline. Inheritance: Autosomal dominant inheritance.

Women's Health and Genetics/Laboratory Corporation of America, LabCorp
Classification: Uncertain significance. Last evaluated: 2024-04-16. Review status: criteria provided, single submitter. Criteria: LabCorp Variant Classification Summary - May 2015. Collection method: clinical testing. Allele origin: germline.
Comment: Variant summary: BARD1 c.1613G>A (p.Ser538Asn) results in a conservative amino acid change in the encoded protein sequence. Five of five in-silico tools predict a benign effect of the variant on protein function. The variant allele was found at a frequency of 2e-05 in 251332 control chromosomes. The available data on variant occurrences in the general population are insufficient to allow any conclusion about variant significance. c.1613G>A has been reported in the literature in settings of multigene cancer panel testing (example, Ramus_2015, Bhai_2021) and early onset breast cancer (example, Young_2016). These report(s) do not provide unequivocal conclusions about association of the variant with Breast Cancer. To our knowledge, no experimental evidence demonstrating an impact on protein function has been reported. The following publications have been ascertained in the context of this evaluation (PMID: 26315354, 26787654, 34326862, 36243179). ClinVar contains an entry for this variant (Variation ID: 186171). Based on the evidence outlined above, the variant was classified as uncertain significance.

Department of Pathology and Laboratory Medicine, Sinai Health System
Classification: Uncertain significance for Familial cancer of breast. Last evaluated: 2024-04-08. Review status: criteria provided, single submitter. Criteria: ACMG Guidelines, 2015. Collection method: clinical testing. Allele origin: germline. Affected: yes.

Myriad Genetics, Inc.
Classification: Likely benign for Familial cancer of breast. Last evaluated: 2023-02-24. Review status: criteria provided, single submitter. Criteria: Myriad Autosomal Dominant, Autosomal Recessive and X-Linked Classification Criteria (2023). Collection method: clinical testing. Allele origin: unknown.
Comment: This variant is considered likely benign. This variant is strongly associated with less severe personal and family histories of cancer, typical for individuals without pathogenic variants in this gene [PMID: 25085752].

Quest Diagnostics Nichols Institute San Juan Capistrano
Classification: Uncertain significance. Last evaluated: 2022-09-30. Review status: criteria provided, single submitter. Criteria: Quest Diagnostics criteria. Collection method: clinical testing. Allele origin: unknown.
Comment: The frequency of this variant in the general population, 0.000039 (5/129104 chromosomes), is uninformative in assessment of its pathogenicity. In the published literature, the variant has been reported in individuals with ovarian cancer (PMID: 26315354 (2015)) and breast cancer (PMIDs: 26787654 (2016) and 33471991 (2021), see also LOVD), as well as unaffected individuals (PMID: 33471991 (2021), see also LOVD). Analysis of this variant using bioinformatics tools for the prediction of the effect of amino acid changes on protein structure and function yielded predictions that this variant is benign. Based on the available information, we are unable to determine the clinical significance of this variant.

Sema4
Classification: Uncertain significance for Hereditary cancer-predisposing syndrome. Last evaluated: 2021-05-03. Review status: criteria provided, single submitter. Criteria: Sema4 Curation Guidelines. Collection method: curation. Allele origin: germline.
Comment: The BARD1 c.1613G>A (p.S538N) variant has been reported in at least one individual with epithelial ovarian cancer (PMID: 26315354). It was also identified in three patients with breast cancer, but was also reported in a healthy control (PMID: 33471991). It was observed in 6/126624 chromosomes of the Non-Finnish European subpopulation in the large and broad cohorts of the Genome Aggregation Database. The variant has been reported in ClinVar (Variation ID 186171). In silico tools suggest the impact of the variant on protein function is inconclusive, though these predictions have not been confirmed by functional studies. The evidence is insufficient to meet ACMG/AMP criteria for classifying the variant as benign or pathogenic. Thus, the clinical significance of this variant is currently uncertain.

Ambry Genetics
Classification: Likely benign for Hereditary cancer-predisposing syndrome. Last evaluated: 2018-09-07. Review status: criteria provided, single submitter. Criteria: Ambry Variant Classification Scheme 2023. Collection method: clinical testing. Allele origin: germline.

PreventionGenetics, part of Exact Sciences
Classification: Uncertain significance. Last evaluated: 2017-07-18. Review status: criteria provided, single submitter. Criteria: ACMG Guidelines, 2015. Collection method: clinical testing. Allele origin: germline.

Counsyl
Classification: Uncertain significance for Familial cancer of breast. Last evaluated: 2017-07-05. Review status: no assertion criteria provided. Collection method: clinical testing. Allele origin: unknown. Not counted in ClinVar's aggregate classification.

Literature cited by the submitters: PubMed 26315354 (cited by 7 submitters); PubMed 26787654 (cited by 3 submitters); PubMed 36243179 (cited by Women's Health and Genetics/Laboratory Corporation of America, LabCorp); PubMed 34326862 (cited by Women's Health and Genetics/Laboratory Corporation of America, LabCorp); PubMed 33471991 (cited by 3 submitters); PubMed 25085752 (cited by Myriad Genetics, Inc.).